The following is an entry in ClinVar:

ClinVar aggregate classification (germline): Uncertain significance (1 of 4 stars; one submission).

Submission:

Labcorp Genetics (formerly Invitae), Labcorp
Classification: Uncertain significance. Last evaluated: 2023-08-04. Review status: criteria provided, single submitter. Criteria: Invitae Variant Classification Sherloc (09022015). Collection method: clinical testing. Allele origin: germline.
Comment: This sequence change falls in intron 16 of the TRAF3IP1 gene. It does not directly change the encoded amino acid sequence of the TRAF3IP1 protein. It affects a nucleotide within the consensus splice site. The frequency data for this variant in the population databases is considered unreliable, as metrics indicate poor data quality at this position in the gnomAD database. This variant has not been reported in the literature in individuals affected with TRAF3IP1-related conditions. ClinVar contains an entry for this variant (Variation ID: 962735). Variants that disrupt the consensus splice site are a relatively common cause of aberrant splicing (PMID: 17576681, 9536098). Algorithms developed to predict the effect of sequence changes on RNA splicing suggest that this variant is not likely to affect RNA splicing. In summary, the available evidence is currently insufficient to determine the role of this variant in disease. Therefore, it has been classified as a Variant of Uncertain Significance.

Literature cited by the submitters: PubMed 17576681; PubMed 9536098.

NM_015650.4(TRAF3IP1):c.1910+3G>A

Gene: TRAF3IP1 (TRAF3 interacting protein 1; plus strand). Cytogenetic location: 2q37.3.
Variant type: single nucleotide variant.
Coding change: c.1910+3G>A on transcript NM_015650.4 (MANE Select); 3 bases into the intron after coding-DNA position 1910, G replaced by A.
Molecular consequence: intron variant.
Genome position (GRCh38, 1-based): chr2:238,397,682, G>A. VCF-style: chr2-238397682-G-A. GRCh37 (hg19) VCF-style: chr2-239306323-G-A.
Other names: c.1712+3G>A (NM_001139490.1).
Identifiers: ClinVar variation 962735 (VCV000962735.7), dbSNP rs778373034, ClinGen allele CA540751156.